The following is an entry in ClinVar:

NM_005902.4(SMAD3):c.508A>G (p.Ile170Val)

Gene: SMAD3 (SMAD family member 3; plus strand). Cytogenetic location: 15q22.33.
Variant type: single nucleotide variant.
Coding change: c.508A>G on transcript NM_005902.4 (MANE Select); coding-DNA position 508, A replaced by G.
Protein change: p.Ile170Val; replaces isoleucine 170 with valine.
Molecular consequence: missense variant.
Genome position (GRCh38, 1-based): chr15:67,165,360, A>G. VCF-style: chr15-67165360-A-G. GRCh37 (hg19) VCF-style: chr15-67457698-A-G.
Other names: p.I170V:ATC>GTC; c.193A>G, p.Ile65Val (NM_001145102.2); c.376A>G, p.Ile126Val (NM_001145103.2); short protein forms I170V, I65V, I126V.
Identifiers: ClinVar variation 139212 (VCV000139212.57), dbSNP rs35874463, ClinGen allele CA020092.

ClinVar aggregate classification (germline): Benign/Likely benign. Review status: criteria provided, multiple submitters, no conflicts (2 of 4 stars). 22 submissions from 22 submitters: Benign (16); Likely benign (1). 5 of the submissions do not count toward it. Last evaluated 2026-02-04.

Conditions:
Ehlers-Danlos syndrome (EDS). Identifiers: Orphanet 98249, MedGen C0013720, MONDO:0020066.
Thoracic aortic aneurysm. Also called: Aneurysm of thoracic aorta. Identifiers: MedGen C0162872, MONDO:0005396, HP:0012727.
Familial thoracic aortic aneurysm and aortic dissection (TAAD). Also called: Thoracic aortic aneurysms and dissections. Identifiers: Orphanet 91387, MedGen C4707243, MONDO:0019625.
Aneurysm-osteoarthritis syndrome. Also called: LOEYS-DIETZ SYNDROME WITH OSTEOARTHRITIS; SMAD3-Related Loeys-Dietz Syndrome; Loeys-Dietz syndrome, type 1C; ANEURYSMS-OSTEOARTHRITIS SYNDROME. Identifiers: Orphanet 284984, MedGen C3151087, MONDO:0013426, OMIM 613795.

Allele frequency attached by ClinVar (database versions not stated): 1000 Genomes Project 30x 0.01858; 1000 Genomes Project 0.01897; TOPMed 0.03188; gnomAD 0.03414 and 0.03431; gnomAD exomes 0.03962 and 0.05072; ExAC 0.04028; ESP Exome Variant Server 0.04046.
gnomAD v4.1: 79,206 of 1,614,100 alleles (4.9%); highest among the groups gnomAD compares: Non-Finnish European, 5.5%; 2,257 homozygotes.

Submissions (22):

Labcorp Genetics (formerly Invitae), Labcorp
Classification: Benign for Familial thoracic aortic aneurysm and aortic dissection. Last evaluated: 2026-02-04. Review status: criteria provided, single submitter. Criteria: Invitae Variant Classification Sherloc (09022015). Collection method: clinical testing. Allele origin: germline.

ARUP Laboratories, Molecular Genetics and Genomics, ARUP Laboratories
Classification: Benign for Aneurysm-osteoarthritis syndrome. Last evaluated: 2025-07-29. Review status: criteria provided, single submitter. Criteria: ARUP Molecular Germline Variant Investigation Process 2024. Collection method: clinical testing. Allele origin: germline.

Molecular Diagnostic Laboratory for Inherited Cardiovascular Disease, Montreal Heart Institute
Classification: Benign. Last evaluated: 2025-04-08. Review status: criteria provided, single submitter. Criteria: ACMG Guidelines, 2015. Collection method: clinical testing. Allele origin: germline. Affected: no.

Blueprint Genetics
Classification: Benign. Last evaluated: 2024-11-27. Review status: criteria provided, single submitter. Criteria: ACMG Guidelines, 2015. Collection method: clinical testing. Allele origin: germline.

All of Us Research Program, National Institutes of Health
Classification: Benign for Aneurysm-osteoarthritis syndrome. Last evaluated: 2024-10-02. Review status: criteria provided, single submitter. Criteria: ACMG Guidelines, 2015. Collection method: clinical testing. Allele origin: germline. Inheritance: Autosomal dominant inheritance. Observed: 12,166 variant alleles, 11,834 heterozygotes, 326 homozygotes, 6 hemizygotes.
Comment: This study involves interpretation of variants in research participants for the purpose of population health screening. Participant phenotype was not available at the time of variant classification. Additional details can be found in publication PMID: 35346344, PMCID: PMC8962531

Genome Diagnostics Laboratory, The Hospital for Sick Children
Classification: Benign for Ehlers-Danlos syndrome. Last evaluated: 2022-07-07. Review status: criteria provided, single submitter. Criteria: ACMG Guidelines, 2015. Collection method: clinical testing. Allele origin: germline.

Women's Health and Genetics/Laboratory Corporation of America, LabCorp
Classification: Benign. Last evaluated: 2019-09-23. Review status: criteria provided, single submitter. Criteria: LabCorp Variant Classification Summary - May 2015. Collection method: clinical testing. Allele origin: germline.
Comment: Variant summary: SMAD3 c.508A>G (p.Ile170Val) results in a conservative amino acid change in the encoded protein sequence. Four of five in-silico tools predict a benign effect of the variant on protein function. The variant allele was found at a frequency of 0.04 in 251386 control chromosomes in the gnomAD database, including 275 homozygotes. The observed variant frequency is approximately 1056 fold of the estimated maximal expected allele frequency for a pathogenic variant in SMAD3 causing Aortopathy phenotype (3.8e-05), strongly suggesting that the variant is benign. To our knowledge, no occurrence of c.508A>G in individuals affected with Aortopathy and no experimental evidence demonstrating its impact on protein function have been reported. Six clinical diagnostic laboratories have submitted clinical-significance assessments for this variant to ClinVar after 2014 without evidence for independent evaluation. All laboratories classified the variant as benign (n=5)/likely benign (n=1). Based on the evidence outlined above, the variant was classified as benign.

CHEO Genetics Diagnostic Laboratory, Children's Hospital of Eastern Ontario
Classification: Benign for Familial thoracic aortic aneurysm and aortic dissection. Last evaluated: 2019-05-09. Review status: criteria provided, single submitter. Criteria: ACMG Guidelines, 2015. Collection method: clinical testing. Allele origin: germline.

Color Diagnostics, LLC DBA Color Health
Classification: Benign for Familial thoracic aortic aneurysm and aortic dissection. Last evaluated: 2018-03-19. Review status: criteria provided, single submitter. Criteria: ACMG Guidelines, 2015. Collection method: clinical testing. Allele origin: germline.

Illumina Laboratory Services, Illumina
Classification: Benign for Aneurysm-osteoarthritis syndrome. Last evaluated: 2018-01-13. Review status: criteria provided, single submitter. Criteria: ICSL Variant Classification Criteria 13 December 2019. Collection method: clinical testing. Allele origin: germline.
Comment: This variant was observed in the ICSL laboratory as part of a predisposition screen in an ostensibly healthy population. It had not been previously curated by ICSL or reported in the Human Gene Mutation Database (HGMD: prior to June 1st, 2018), and was therefore a candidate for classification through an automated scoring system. Utilizing variant allele frequency, disease prevalence and penetrance estimates, and inheritance mode, an automated score was calculated to assess if this variant is too frequent to cause the disease. Based on the score and internal cut-off values, a variant classified as benign is not then subjected to further curation. The score for this variant resulted in a classification of benign for this disease.

Eurofins Ntd Llc (ga)
Classification: Benign. Last evaluated: 2015-09-08. Review status: criteria provided, single submitter. Criteria: EGL Classification Definitions 2015. Collection method: clinical testing. Allele origin: germline. Observed: 1 variant allele, 1 heterozygote.

Ambry Genetics
Classification: Benign for Familial thoracic aortic aneurysm and aortic dissection. Last evaluated: 2014-11-25. Review status: criteria provided, single submitter. Criteria: Ambry Variant Classification Scheme 2023. Collection method: clinical testing. Allele origin: germline.

Mayo Clinic Laboratories, Mayo Clinic
Classification: Benign. Last evaluated: 2014-02-26. Review status: criteria provided, single submitter. Criteria: ACMG Guidelines, 2015. Collection method: clinical testing. Allele origin: germline. Observed: 162 variant alleles.

Laboratory for Molecular Medicine, Mass General Brigham Personalized Medicine
Classification: Benign. Last evaluated: 2013-04-04. Review status: criteria provided, single submitter. Criteria: LMM Criteria. Collection method: clinical testing. Allele origin: germline. Observed: 3 variant alleles.
Comment: Ile170Val in exon 3 of SMAD3: This variant is not expected to have clinical sign ificance because it has been identified in 5.5% (470/8598) of European American chromosomes from a broad population by the NHLBI Exome Sequencing Project (dbSNP rs35874463).

GeneDx
Classification: Benign. Last evaluated: 2012-11-05. Review status: criteria provided, single submitter. Criteria: GeneDx Variant Classification (06012015). Collection method: clinical testing. Allele origin: germline. Affected: yes.
Comment: This variant is considered likely benign or benign based on one or more of the following criteria: it is a conservative change, it occurs at a poorly conserved position in the protein, it is predicted to be benign by multiple in silico algorithms, and/or has population frequency not consistent with disease.

Breakthrough Genomics
Classification: Likely benign. Review status: criteria provided, single submitter. Criteria: ACMG Guidelines, 2015. Collection method: not provided. Allele origin: germline. Inheritance: Autosomal dominant inheritance. Affected: yes.

PreventionGenetics, part of Exact Sciences
Classification: Benign. Review status: criteria provided, single submitter. Criteria: ACMG Guidelines, 2015. Collection method: clinical testing. Allele origin: germline.

Cohesion Phenomics
Classification: Benign for Thoracic aortic aneurysm. Last evaluated: 2022-09-23. Review status: no assertion criteria provided. Criteria: ACMG Guidelines, 2015. Collection method: clinical testing. Allele origin: germline. Affected: yes. Not counted in ClinVar's aggregate classification.

Genome Diagnostics Laboratory, Amsterdam University Medical Center
Classification: Benign. Review status: no assertion criteria provided. Collection method: clinical testing. Allele origin: germline. Affected: yes. Study: VKGL Data-share Consensus. Not counted in ClinVar's aggregate classification.

Genome Diagnostics Laboratory, University Medical Center Utrecht
Classification: Benign. Review status: no assertion criteria provided. Collection method: clinical testing. Allele origin: germline. Affected: yes. Study: VKGL Data-share Consensus. Not counted in ClinVar's aggregate classification.

Joint Genome Diagnostic Labs from Nijmegen and Maastricht, Radboudumc and MUMC+
Classification: Benign. Review status: no assertion criteria provided. Collection method: clinical testing. Allele origin: germline. Affected: yes. Study: VKGL Data-share Consensus. Not counted in ClinVar's aggregate classification.

Laboratory of Diagnostic Genome Analysis, Leiden University Medical Center (LUMC)
Classification: Likely benign. Review status: no assertion criteria provided. Collection method: clinical testing. Allele origin: germline. Affected: yes. Study: VKGL Data-share Consensus. Not counted in ClinVar's aggregate classification.